The following is an entry in ClinVar:

ClinVar aggregate classification (germline): Uncertain significance. Review status: criteria provided, multiple submitters, no conflicts (2 of 4 stars). 2 submissions from 2 submitters: Uncertain significance (2). Last evaluated 2024-11-08.

Conditions:
Hypertrophic cardiomyopathy. Also called: HYPERTROPHIC MYOCARDIOPATHY. Identifiers: Orphanet 217569, MedGen C0007194, MeSH D002312, MONDO:0005045, HP:0001639.

Allele frequency attached by ClinVar (database versions not stated): gnomAD 0.00001; gnomAD exomes 0.00001; TOPMed 0.00001; ExAC 0.00002.
gnomAD v4.1: 13 of 1,613,684 alleles (0.00081%); highest among the groups gnomAD compares: Non-Finnish European, 0.001%; no homozygotes.

Submissions (2):

Ambry Genetics
Classification: Uncertain significance. Last evaluated: 2024-11-08. Review status: criteria provided, single submitter. Criteria: Ambry Variant Classification Scheme 2023. Collection method: clinical testing. Allele origin: germline.

Labcorp Genetics (formerly Invitae), Labcorp
Classification: Uncertain significance for Hypertrophic cardiomyopathy. Last evaluated: 2023-10-22. Review status: criteria provided, single submitter. Criteria: Invitae Variant Classification Sherloc (09022015). Collection method: clinical testing. Allele origin: germline.
Comment: This sequence change replaces histidine, which is basic and polar, with arginine, which is basic and polar, at codon 382 of the MYOM1 protein (p.His382Arg). This variant is present in population databases (rs773991969, gnomAD 0.002%). This variant has not been reported in the literature in individuals affected with MYOM1-related conditions. ClinVar contains an entry for this variant (Variation ID: 2496772). Advanced modeling of protein sequence and biophysical properties (such as structural, functional, and spatial information, amino acid conservation, physicochemical variation, residue mobility, and thermodynamic stability) performed at Invitae indicates that this missense variant is not expected to disrupt MYOM1 protein function. In summary, the available evidence is currently insufficient to determine the role of this variant in disease. Therefore, it has been classified as a Variant of Uncertain Significance.

NM_003803.4(MYOM1):c.1145A>G (p.His382Arg)

Gene: MYOM1 (myomesin 1; minus strand). Cytogenetic location: 18p11.31.
Variant type: single nucleotide variant.
Coding change: c.1145A>G on transcript NM_003803.4 (MANE Select); coding-DNA position 1145, A replaced by G.
Protein change: p.His382Arg; replaces histidine 382 with arginine.
Molecular consequence: missense variant.
Genome position (GRCh38, 1-based): chr18:3,173,967, T>C on the plus strand (A>G on the coding strand, the complement: MYOM1 is on the minus strand). VCF-style: chr18-3173967-T-C. GRCh37 (hg19) VCF-style: chr18-3173965-T-C.
Other names: c.1145A>G, p.His382Arg (NM_019856.2); short protein forms H382R.
Identifiers: ClinVar variation 2496772 (VCV002496772.6), dbSNP rs773991969, ClinGen allele CA8875037.